The following is an entry in ClinVar:

NM_016180.5(SLC45A2):c.258del (p.Val87fs)

Gene: SLC45A2 (solute carrier family 45 member 2; minus strand). Cytogenetic location: 5p13.2.
Variant type: Deletion.
Coding change: c.258del on transcript NM_016180.5 (MANE Select); coding-DNA position 258, one base deleted (C; older notation c.258delC).
Protein change: p.Val87fs; shifts the reading frame from valine 87.
Molecular consequence: frameshift variant.
Genome position (GRCh38, 1-based): chr5:33,984,326, G deleted on the plus strand (C on the coding strand, the reverse complement: SLC45A2 is on the minus strand); the first of 3 consecutive G bases (chr5:33,984,326-33,984,328); deleting any one gives the same sequence. VCF-style (leftmost placement, unchanged base first): chr5-33984325-CG-C. GRCh37 (hg19) VCF-style: chr5-33984430-CG-C.
Other names: c.258del, p.Val87fs (NM_001012509.4, NM_001297417.4); short protein forms V87fs.
Identifiers: ClinVar variation 2881185 (VCV002881185.3), dbSNP rs2478922997, ClinGen allele CA2673477951.

ClinVar aggregate classification (germline): Pathogenic (1 of 4 stars; one submission).

Submission:

Labcorp Genetics (formerly Invitae), Labcorp
Classification: Pathogenic. Last evaluated: 2024-01-03. Review status: criteria provided, single submitter. Criteria: Invitae Variant Classification Sherloc (09022015). Collection method: clinical testing. Allele origin: germline.
Comment: This sequence change creates a premature translational stop signal (p.Val87Trpfs*26) in the SLC45A2 gene. It is expected to result in an absent or disrupted protein product. Loss-of-function variants in SLC45A2 are known to be pathogenic (PMID: 21458243, 26573111). This variant is not present in population databases (gnomAD no frequency). This variant has not been reported in the literature in individuals affected with SLC45A2-related conditions. For these reasons, this variant has been classified as Pathogenic.

Literature cited by the submitters: PubMed 21458243; PubMed 26573111.